The following is an entry in ClinVar:

NM_000051.4(ATM):c.2678A>G (p.Gln893Arg)

Gene: ATM (ATM serine/threonine kinase; plus strand). Cytogenetic location: 11q22.3.
Variant type: single nucleotide variant.
Coding change: c.2678A>G on transcript NM_000051.4 (MANE Select); coding-DNA position 2678, A replaced by G.
Protein change: p.Gln893Arg; replaces glutamine 893 with arginine.
Molecular consequence: missense variant.
Genome position (GRCh38, 1-based): chr11:108,268,449, A>G. VCF-style: chr11-108268449-A-G. GRCh37 (hg19) VCF-style: chr11-108139176-A-G.
Other names: p.Gln893Arg; c.2678A>G, p.Gln893Arg (NM_001351834.2); short protein forms Q893R.
Identifiers: ClinVar variation 232453 (VCV000232453.18), dbSNP rs876659776, ClinGen allele CA10579066.

ClinVar aggregate classification (germline): Uncertain significance. Review status: criteria provided, multiple submitters, no conflicts (2 of 4 stars). 6 submissions from 6 submitters: Uncertain significance (6). Last evaluated 2025-09-03.

Conditions:
Hereditary cancer-predisposing syndrome. Also called: Hereditary Cancer Syndrome; Neoplastic Syndromes, Hereditary; Tumor predisposition; Hereditary neoplastic syndrome. Identifiers: Orphanet 140162, MedGen C0027672, MeSH D009386, MONDO:0015356.
Familial cancer of breast. Also called: Hereditary breast cancer; hereditary breast carcinoma; BREAST CANCER, FAMILIAL. Identifiers: Orphanet 227535, MedGen C0346153, MONDO:0016419, OMIM 114480. Disease mechanism: loss of function.
Ataxia-telangiectasia syndrome (AT). Also called: Ataxia telangiectasia (A-T); Ataxia-telangiectasia, complementation group E; LOUIS-BAR SYNDROME; Cerebello-oculocutaneous telangiectasia; Immunodeficiency with ataxia telangiectasia; Ataxia-telangiectasia, complementation group D. Identifiers: Orphanet 100, MedGen C0004135, MONDO:0008840, OMIM 208900.

Allele frequency attached by ClinVar (database versions not stated): gnomAD exomes below 0.00001; TOPMed below 0.00001; gnomAD 0.00001; 1000 Genomes Project 30x 0.00016.
gnomAD v4.1: 3 of 1,614,036 alleles (0.00019%); highest among the groups gnomAD compares: Admixed American, 0.0017%; no homozygotes.

Submissions (6):

Labcorp Genetics (formerly Invitae), Labcorp
Classification: Uncertain significance for Ataxia-telangiectasia syndrome. Last evaluated: 2025-09-03. Review status: criteria provided, single submitter. Criteria: Invitae Variant Classification Sherloc (09022015). Collection method: clinical testing. Allele origin: germline.
Comment: This sequence change replaces glutamine, which is neutral and polar, with arginine, which is basic and polar, at codon 893 of the ATM protein (p.Gln893Arg). This variant is present in population databases (no rsID available, gnomAD 0.003%). This variant has not been reported in the literature in individuals affected with ATM-related conditions. ClinVar contains an entry for this variant (Variation ID: 232453). Invitae Evidence Modeling of protein sequence and biophysical properties (such as structural, functional, and spatial information, amino acid conservation, physicochemical variation, residue mobility, and thermodynamic stability) indicates that this missense variant is not expected to disrupt ATM protein function with a negative predictive value of 95%. In summary, the available evidence is currently insufficient to determine the role of this variant in disease. Therefore, it has been classified as a Variant of Uncertain Significance.

Ambry Genetics
Classification: Uncertain significance for Hereditary cancer-predisposing syndrome. Last evaluated: 2025-07-11. Review status: criteria provided, single submitter. Criteria: Ambry Variant Classification Scheme 2023. Collection method: clinical testing. Allele origin: germline.
Comment: The p.Q893R variant (also known as c.2678A>G), located in coding exon 17 of the ATM gene, results from an A to G substitution at nucleotide position 2678. The glutamine at codon 893 is replaced by arginine, an amino acid with highly similar properties. This amino acid position is highly conserved in available vertebrate species. In addition, the in silico prediction for this alteration is inconclusive. Based on the available evidence, the clinical significance of this variant remains unclear.

Women's Health and Genetics/Laboratory Corporation of America, LabCorp
Classification: Uncertain significance. Last evaluated: 2024-03-13. Review status: criteria provided, single submitter. Criteria: LabCorp Variant Classification Summary - May 2015. Collection method: clinical testing. Allele origin: germline.
Comment: Variant summary: ATM c.2678A>G (p.Gln893Arg) results in a conservative amino acid change in the encoded protein sequence. Five of five in-silico tools predict a benign effect of the variant on protein function. The variant allele was found at a frequency of 4e-06 in 251354 control chromosomes (gnomAD). The available data on variant occurrences in the general population are insufficient to allow any conclusion about variant significance. To our knowledge, no occurrence of c.2678A>G in individuals affected with Ataxia-Telangiectasia and no experimental evidence demonstrating its impact on protein function have been reported. ClinVar contains an entry for this variant (Variation ID: 232453). Based on the evidence outlined above, the variant was classified as uncertain significance.

Baylor Genetics
Classification: Uncertain significance for Familial cancer of breast. Last evaluated: 2024-02-05. Review status: criteria provided, single submitter. Criteria: ACMG Guidelines, 2015. Collection method: clinical testing. Allele origin: unknown.

Mayo Clinic Laboratories, Mayo Clinic
Classification: Uncertain significance. Last evaluated: 2023-02-21. Review status: criteria provided, single submitter. Criteria: ACMG Guidelines, 2015. Collection method: clinical testing. Allele origin: germline. Observed: 1 variant allele.
Comment: BP4, PM2

Color Diagnostics, LLC DBA Color Health
Classification: Uncertain significance for Hereditary cancer-predisposing syndrome. Last evaluated: 2019-04-11. Review status: criteria provided, single submitter. Criteria: ACMG Guidelines, 2015. Collection method: clinical testing. Allele origin: germline.

Literature cited by the submitters: PubMed 30287823 (cited by Ambry Genetics).